The following is an entry in ClinVar:

ClinVar aggregate classification (germline): Uncertain significance (1 of 4 stars; one submission).

Submission:

Labcorp Genetics (formerly Invitae), Labcorp
Classification: Uncertain significance. Last evaluated: 2022-03-27. Review status: criteria provided, single submitter. Criteria: Invitae Variant Classification Sherloc (09022015). Collection method: clinical testing. Allele origin: germline.
Comment: In summary, the available evidence is currently insufficient to determine the role of this variant in disease. Therefore, it has been classified as a Variant of Uncertain Significance. Algorithms developed to predict the effect of missense changes on protein structure and function (SIFT, PolyPhen-2, Align-GVGD) all suggest that this variant is likely to be disruptive. This variant has not been reported in the literature in individuals affected with VAC14-related conditions. This variant is not present in population databases (gnomAD no frequency). This sequence change replaces proline, which is neutral and non-polar, with arginine, which is basic and polar, at codon 433 of the VAC14 protein (p.Pro433Arg).

NM_018052.5(VAC14):c.1298C>G (p.Pro433Arg)

Genes: VAC14 (VAC14 component of PIKFYVE complex; minus strand), VAC14-AS1 (VAC14 antisense RNA 1; plus strand). Cytogenetic location: 16q22.1.
Variant type: single nucleotide variant.
Coding change: c.1298C>G on transcript NM_018052.5 (MANE Select); coding-DNA position 1298, C replaced by G.
Protein change: p.Pro433Arg; replaces proline 433 with arginine.
Molecular consequence: missense variant.
Genome position (GRCh38, 1-based): chr16:70,762,888, G>C on the plus strand (C>G on the coding strand, the complement: VAC14 is on the minus strand). VCF-style: chr16-70762888-G-C. GRCh37 (hg19) VCF-style: chr16-70796791-G-C.
Other names: c.596C>G, p.Pro199Arg (NM_001351157.2); short protein forms P433R, P199R.
Identifiers: ClinVar variation 2118350 (VCV002118350.4), dbSNP rs2507658252, ClinGen allele CA396601692.